The following is an entry in ClinVar:

NM_139159.5(DPP9):c.551C>G (p.Ala184Gly)

Genes: DPP9 (dipeptidyl peptidase 9; minus strand), LOC126862841 (BRD4-independent group 4 enhancer GRCh37_chr19:4703720-4704919; plus strand). Cytogenetic location: 19p13.3.
Variant type: single nucleotide variant.
Coding change: c.551C>G on transcript NM_139159.5 (MANE Select); coding-DNA position 551, C replaced by G.
Protein change: p.Ala184Gly; replaces alanine 184 with glycine.
Molecular consequence: missense variant. On other transcripts: non-coding transcript variant (1).
Genome position (GRCh38, 1-based): chr19:4,704,180, G>C on the plus strand (C>G on the coding strand, the complement: DPP9 is on the minus strand). VCF-style: chr19-4704180-G-C. GRCh37 (hg19) VCF-style: chr19-4704192-G-C.
Other names: c.551C>G, p.Ala184Gly (NM_001365987.2); short protein forms A184G.
Identifiers: ClinVar variation 788833 (VCV000788833.10), dbSNP rs200878232, ClinGen allele CA9104356.

ClinVar aggregate classification (germline): Benign/Likely benign. Review status: criteria provided, multiple submitters, no conflicts (2 of 4 stars). 2 submissions from 2 submitters: Benign (1); Likely benign (1). Last evaluated 2026-04-01.

Allele frequency attached by ClinVar (database versions not stated): 1000 Genomes Project 0.00080; 1000 Genomes Project 30x 0.00109; TOPMed 0.00219; ESP Exome Variant Server 0.00345; gnomAD 0.00490 and 0.00517.
gnomAD v4.1: 8,068 of 1,614,012 alleles (0.5%); highest among the groups gnomAD compares: Non-Finnish European, 0.49%; 47 homozygotes.

Submissions (2):

CeGaT Center for Human Genetics Tuebingen
Classification: Likely benign. Last evaluated: 2026-04-01. Review status: criteria provided, single submitter. Criteria: CeGaT Center For Human Genetics Tuebingen Variant Classification Criteria Version 2. Collection method: clinical testing. Allele origin: germline. Affected: yes. Observed: 4 variant alleles.
Comment: DPP9: BS2

Labcorp Genetics (formerly Invitae), Labcorp
Classification: Benign. Last evaluated: 2018-08-08. Review status: criteria provided, single submitter. Criteria: Invitae Variant Classification Sherloc (09022015). Collection method: clinical testing. Allele origin: germline.